The following is an entry in ClinVar:

ClinVar aggregate classification (germline): Benign/Likely benign. Review status: criteria provided, multiple submitters, no conflicts (2 of 4 stars). 2 submissions from 2 submitters: Benign (1); Likely benign (1). Last evaluated 2024-04-09.

Conditions:
Familial adenomatous polyposis 1 (FAP1). Also called: FAMILIAL ADENOMATOUS POLYPOSIS 1, ATTENUATED; POLYPOSIS, ADENOMATOUS INTESTINAL. Identifiers: MedGen C2713442, MONDO:0021056, OMIM 175100. Disease mechanism: loss of function.
Hereditary cancer-predisposing syndrome. Also called: Neoplastic Syndromes, Hereditary; Tumor predisposition; Hereditary Cancer Syndrome; Hereditary neoplastic syndrome. Identifiers: Orphanet 140162, MedGen C0027672, MeSH D009386, MONDO:0015356.

Allele frequency attached by ClinVar (database versions not stated): gnomAD 0.00001.
gnomAD v4.1: 1 of 1,613,750 alleles (0.000062%); highest among the groups gnomAD compares: African/African-American, 0.0013%; no homozygotes.

Submissions (2):

Myriad Genetics, Inc.
Classification: Benign for Familial adenomatous polyposis 1. Last evaluated: 2024-04-09. Review status: criteria provided, single submitter. Criteria: Myriad Autosomal Dominant, Autosomal Recessive and X-Linked Classification Criteria (2023). Collection method: clinical testing. Allele origin: unknown.
Comment: This variant is considered benign. This variant is a silent/synonymous amino acid change and it is not expected to impact splicing.

Ambry Genetics
Classification: Likely benign for Hereditary cancer-predisposing syndrome. Last evaluated: 2015-07-08. Review status: criteria provided, single submitter. Criteria: Ambry Variant Classification Scheme 2023. Collection method: clinical testing. Allele origin: germline.

NM_000038.6(APC):c.7518A>G (p.Lys2506=)

Gene: APC (APC regulator of Wnt signaling pathway; plus strand). Cytogenetic location: 5q22.2.
Variant type: single nucleotide variant.
Coding change: c.7518A>G on transcript NM_000038.6 (MANE Select); coding-DNA position 7518, A replaced by G.
Protein change: p.Lys2506=; no amino-acid change (lysine 2506 retained).
Molecular consequence: synonymous variant.
Genome position (GRCh38, 1-based): chr5:112,843,112, A>G. VCF-style: chr5-112843112-A-G. GRCh37 (hg19) VCF-style: chr5-112178809-A-G.
Other names: c.7518A>G, p.Lys2506= (NM_001127510.3, NM_001354895.2); c.7464A>G, p.Lys2488= (NM_001127511.3); c.7572A>G, p.Lys2524= (NM_001354896.2); c.7548A>G, p.Lys2516= (NM_001354897.2); c.7443A>G, p.Lys2481= (NM_001354898.2); c.7434A>G, p.Lys2478= (NM_001354899.2); c.7395A>G, p.Lys2465= (NM_001354900.2); c.7341A>G, p.Lys2447= (NM_001354901.2); and 5 more.
Identifiers: ClinVar variation 232489 (VCV000232489.6), dbSNP rs876659798, ClinGen allele CA10578445.
Genomic context (GRCh38, chr5:112,843,112, plus strand): 5'-TTCCCTTCCTGATATGTCTCTATCCACACATTCGTCTGTTCAGGCTGGTGGATGGCGAAA[A>G]CTCCCACCTAATCTCAGTCCCACTATAGAGTATAATGATGGAAGACCAGCAAAGCGCCAT-3'
Protein context (NP_000029.2, residues 2496-2516): HSSVQAGGWR[Lys2506=]LPPNLSPTIE